The following is an entry in ClinVar:

NM_000018.4(ACADVL):c.1533-4T>A

Gene: ACADVL (acyl-CoA dehydrogenase very long chain; plus strand). Cytogenetic location: 17p13.1.
Variant type: single nucleotide variant.
Coding change: c.1533-4T>A on transcript NM_000018.4 (MANE Select); 4 bases into the intron before coding-DNA position 1533, T replaced by A.
Molecular consequence: intron variant.
Genome position (GRCh38, 1-based): chr17:7,224,317, T>A. VCF-style: chr17-7224317-T-A. GRCh37 (hg19) VCF-style: chr17-7127636-T-A.
Other names: c.1602-4T>A (NM_001270447.2); c.1305-4T>A (NM_001270448.2); c.1467-4T>A (NM_001033859.3).
Identifiers: ClinVar variation 474890 (VCV000474890.23), dbSNP rs369986567, ClinGen allele CA8338148.
Genomic context (GRCh38, chr17:7,224,317, plus strand): 5'-CAGAGCCAGGGGAGGGCAGGGTGGTGTATGGCAACTAACCAGTCATTCTCCCTCTTCCTC[T>A]CAGGCGGGCAGGGCTGGGCAGCGGCCTGAGTCTCAGCGGACTTGTCCACCCGGAGTTGAG-3'

ClinVar aggregate classification (germline): Uncertain significance. Review status: reviewed by expert panel (3 of 4 stars). 8 submissions from 8 submitters: Uncertain significance (1). 7 of the submissions do not count toward it. Last evaluated 2025-05-27.

Conditions:
Very long chain acyl-CoA dehydrogenase deficiency (ACADVLD). Also called: Very Long-Chain Acyl-Coenzyme A Dehydrogenase Deficiency; VLCAD Deficiency. Identifiers: Orphanet 26793, MedGen C3887523, MONDO:0008723, OMIM 201475.

Allele frequency attached by ClinVar (database versions not stated): ExAC 0.00022; TOPMed 0.00022; gnomAD 0.00025 and 0.00026; gnomAD exomes 0.00026; ESP Exome Variant Server 0.00031.
gnomAD v4.1: 258 of 1,613,826 alleles (0.016%); highest among the groups gnomAD compares: Middle Eastern, 0.2%; no homozygotes.

Submissions (8):

ClinGen ACADVL Variant Curation Expert Panel, ClinGen
Classification: Uncertain significance for Very long chain acyl-CoA dehydrogenase deficiency. Last evaluated: 2025-05-27. Review status: reviewed by expert panel. Criteria: clingen acadvl acmg specifications v1. Collection method: curation. Allele origin: germline. Inheritance: Autosomal recessive inheritance.
Comment: The c.1533-4T>A variant in ACADVL is an intronic variant which occurs in intron 15. The result from in silico splicing predictor (SpliceAI) support that this variant does not affect splicing (BP4). The highest population minor allele frequency in gnomAD v4.1 is 0.0006 in African/African American population, which is lower than the ClinGen ACADVL Variant Curation Expert Panel threshold (<0.001) for PM2_Supporting, meeting this criterion (PM2_Supporting). To our knowledge, this variant has not been reported in the literature in any individuals with autosomal recessive very long chain acyl-CoA dehydrogenase (VLCAD) deficiency. In summary, this variant meets the criteria to be classified as variant of uncertain significance for autosomal recessive very long chain acyl-CoA dehydrogenase (VLCAD) deficiency based on the ACMG/AMP criteria applied, as specified by the ClinGen ACADVL Variant Curation Expert Panel: BP4, PM2_Supporting (ACADVL VCEP specifications version 2; approved May 1, 2025).

Labcorp Genetics (formerly Invitae), Labcorp
Classification: Likely benign for Very long chain acyl-CoA dehydrogenase deficiency. Last evaluated: 2026-02-04. Review status: criteria provided, single submitter. Criteria: Invitae Variant Classification Sherloc (09022015). Collection method: clinical testing. Allele origin: germline. Not counted in ClinVar's aggregate classification.

Blueprint Genetics
Classification: Likely benign. Last evaluated: 2024-11-25. Review status: criteria provided, single submitter. Criteria: ACMG Guidelines, 2015. Collection method: clinical testing. Allele origin: germline. Not counted in ClinVar's aggregate classification.

Wong Mito Lab, Molecular and Human Genetics, Baylor College of Medicine
Classification: Uncertain significance for Very long chain acyl-CoA dehydrogenase deficiency. Last evaluated: 2019-11-01. Review status: criteria provided, single submitter. Criteria: ACMG Guidelines, 2015. Collection method: clinical testing. Allele origin: germline. Not counted in ClinVar's aggregate classification.
Comment: The NM_000018.3:c.1533-4T>A (NP_000009.1:p.?) [GRCH38: NC_000017.11:g.7224317T>A] variant in ACADVL gene is interpretated to be Uncertain Significance based on ACMG guidelines (PMID: 25741868). This variant has been reported. This variant meets the following evidence codes reported in the ACMG guidelines: BP4

GeneDx
Classification: Likely benign. Last evaluated: 2018-03-08. Review status: criteria provided, single submitter. Criteria: GeneDx Variant Classification (06012015). Collection method: clinical testing. Allele origin: germline. Affected: yes. Not counted in ClinVar's aggregate classification.
Comment: This variant is considered likely benign or benign based on one or more of the following criteria: it is a conservative change, it occurs at a poorly conserved position in the protein, it is predicted to be benign by multiple in silico algorithms, and/or has population frequency not consistent with disease.

Illumina Laboratory Services, Illumina
Classification: Uncertain significance for Very long chain acyl-CoA dehydrogenase deficiency. Last evaluated: 2018-01-13. Review status: criteria provided, single submitter. Criteria: ICSL Variant Classification Criteria 13 December 2019. Collection method: clinical testing. Allele origin: germline. Not counted in ClinVar's aggregate classification.

Natera, Inc.
Classification: Likely benign for Very long chain acyl-CoA dehydrogenase deficiency. Last evaluated: 2020-09-16. Review status: no assertion criteria provided. Collection method: clinical testing. Allele origin: germline. Not counted in ClinVar's aggregate classification.

Counsyl
Classification: Uncertain significance for Very long chain acyl-CoA dehydrogenase deficiency. Last evaluated: 2018-01-08. Review status: no assertion criteria provided. Collection method: clinical testing. Allele origin: unknown. Not counted in ClinVar's aggregate classification.